The following is an entry in ClinVar:

NM_002739.5(PRKCG):c.466G>A (p.Glu156Lys)

Gene: PRKCG (protein kinase C gamma; plus strand). Cytogenetic location: 19q13.42.
Variant type: single nucleotide variant.
Coding change: c.466G>A on transcript NM_002739.5 (MANE Select); coding-DNA position 466, G replaced by A.
Protein change: p.Glu156Lys; replaces glutamic acid 156 with lysine.
Molecular consequence: missense variant.
Genome position (GRCh38, 1-based): chr19:53,889,954, G>A. VCF-style: chr19-53889954-G-A. GRCh37 (hg19) VCF-style: chr19-54393208-G-A.
Other names: c.466G>A, p.Glu156Lys (NM_001316329.2); c.466G>A (NM_002739.3); short protein forms E156K.
Identifiers: ClinVar variation 1027480 (VCV001027480.2), dbSNP rs1304701232, ClinGen allele CA407414483.

ClinVar aggregate classification (germline): Conflicting classifications of pathogenicity. Review status: criteria provided, conflicting classifications (1 of 4 stars). 3 submissions from 3 submitters: Likely pathogenic (1); Uncertain significance (2). Last evaluated 2024-05-20.

Conditions:
Spinocerebellar ataxia type 14 (SCA14). Identifiers: Orphanet 98763, MedGen C1854369, MONDO:0011540, OMIM 605361.

Submissions (3):

GeneDx
Classification: Uncertain significance. Last evaluated: 2024-05-20. Review status: criteria provided, single submitter. Criteria: GeneDx Variant Classification Process June 2021. Collection method: clinical testing. Allele origin: germline. Affected: yes.
Comment: Not observed at significant frequency in large population cohorts (gnomAD); In silico analysis supports that this missense variant has a deleterious effect on protein structure/function; This variant is associated with the following publications: (PMID: 34445196, 34292398)

Molecular Medicine for Neurodegenerative and Neuromuscular Diseases Unit, IRCCS Fondazione Stella Maris
Classification: Likely pathogenic for Spinocerebellar ataxia type 14. Last evaluated: 2021-07-12. Review status: criteria provided, single submitter. Criteria: ACMG Guidelines, 2015. Collection method: research. Allele origin: unknown. Affected: yes.

Athena Diagnostics
Classification: Uncertain significance. Last evaluated: 2021-02-08. Review status: criteria provided, single submitter. Criteria: Athena Diagnostics criteria. Collection method: clinical testing. Allele origin: unknown.